The following is an entry in ClinVar:

NM_017763.6(RNF43):c.684G>T (p.Arg228Ser)

Gene: RNF43 (ring finger protein 43; minus strand). Cytogenetic location: 17q22.
Variant type: single nucleotide variant.
Coding change: c.684G>T on transcript NM_017763.6 (MANE Select); coding-DNA position 684, G replaced by T.
Protein change: p.Arg228Ser; replaces arginine 228 with serine.
Molecular consequence: missense variant.
Genome position (GRCh38, 1-based): chr17:58,362,547, C>A on the plus strand (G>T on the coding strand, the complement: RNF43 is on the minus strand). VCF-style: chr17-58362547-C-A. GRCh37 (hg19) VCF-style: chr17-56439908-C-A.
Other names: c.684G>T, p.Arg228Ser (NM_001305544.3); c.303G>T, p.Arg101Ser (NM_001305545.2); short protein forms R228S, R101S.
Identifiers: ClinVar variation 1913526 (VCV001913526.6), dbSNP rs2143458363, ClinGen allele CA400335965.
Genomic context (GRCh38, chr17:58,362,547, plus strand): 5'-CCACCCACCCACACACACGCACACGTTCACCGCCGCCAAAGACCCCACACTGCTCACCGG[C>A]CTGCTGTGGCGGGGGCGGCACCGGATGCGCAGCACCGAAGCCAGGATGATCACAAAGATG-3'
Protein context (NP_060233.3, residues 218-238): LRIRCRPRHS[Arg228Ser]PDPLQQRTAW

ClinVar aggregate classification (germline): Uncertain significance. Review status: criteria provided, multiple submitters, no conflicts (2 of 4 stars). 2 submissions from 2 submitters: Uncertain significance (2). Last evaluated 2025-03-17.

Submissions (2):

Ambry Genetics
Classification: Uncertain significance. Last evaluated: 2025-03-17. Review status: criteria provided, single submitter. Criteria: Ambry Variant Classification Scheme 2023. Collection method: clinical testing. Allele origin: germline.
Comment: The p.R228S variant (also known as c.684G>T), located in coding exon 5 of the RNF43 gene, results from a G to T substitution at nucleotide position 684. The arginine at codon 228 is replaced by serine, an amino acid with dissimilar properties. This amino acid position is conserved. In addition, this alteration is predicted to be tolerated by in silico analysis. Based on the available evidence, the clinical significance of this variant remains unclear.

Labcorp Genetics (formerly Invitae), Labcorp
Classification: Uncertain significance. Last evaluated: 2022-09-15. Review status: criteria provided, single submitter. Criteria: Invitae Variant Classification Sherloc (09022015). Collection method: clinical testing. Allele origin: germline.
Comment: This sequence change replaces arginine, which is basic and polar, with serine, which is neutral and polar, at codon 228 of the RNF43 protein (p.Arg228Ser). This variant is not present in population databases (gnomAD no frequency). This variant has not been reported in the literature in individuals affected with RNF43-related conditions. Algorithms developed to predict the effect of missense changes on protein structure and function are either unavailable or do not agree on the potential impact of this missense change (SIFT: "Tolerated"; PolyPhen-2: "Possibly Damaging"; Align-GVGD: "Class C0"). In summary, the available evidence is currently insufficient to determine the role of this variant in disease. Therefore, it has been classified as a Variant of Uncertain Significance.